The following is an entry in ClinVar:

NM_006767.4(LZTR1):c.299T>G (p.Val100Gly)

Gene: LZTR1 (leucine zipper like post translational regulator 1; plus strand). Cytogenetic location: 22q11.21.
Variant type: single nucleotide variant.
Coding change: c.299T>G on transcript NM_006767.4 (MANE Select); coding-DNA position 299, T replaced by G.
Protein change: p.Val100Gly; replaces valine 100 with glycine.
Molecular consequence: missense variant.
Genome position (GRCh38, 1-based): chr22:20,985,876, T>G. VCF-style: chr22-20985876-T-G. GRCh37 (hg19) VCF-style: chr22-21340165-T-G.
Other names: short protein forms V100G.
Identifiers: ClinVar variation 3541639 (VCV003541639.2).

ClinVar aggregate classification (germline): Uncertain significance. Review status: criteria provided, multiple submitters, no conflicts (2 of 4 stars). 2 submissions from 2 submitters: Uncertain significance (2). Last evaluated 2025-08-11.

Conditions:
Hereditary cancer-predisposing syndrome. Also called: Hereditary Cancer Syndrome; Hereditary neoplastic syndrome; Tumor predisposition; Neoplastic Syndromes, Hereditary. Identifiers: Orphanet 140162, MedGen C0027672, MeSH D009386, MONDO:0015356.
Cardiovascular phenotype. Identifiers: MedGen CN230736.

Submissions (2):

Labcorp Genetics (formerly Invitae), Labcorp
Classification: Uncertain significance. Last evaluated: 2025-08-11. Review status: criteria provided, single submitter. Criteria: Invitae Variant Classification Sherloc (09022015). Collection method: clinical testing. Allele origin: germline.
Comment: This sequence change replaces valine, which is neutral and non-polar, with glycine, which is neutral and non-polar, at codon 100 of the LZTR1 protein (p.Val100Gly). This variant is not present in population databases (gnomAD no frequency). This variant has not been reported in the literature in individuals affected with LZTR1-related conditions. ClinVar contains an entry for this variant (Variation ID: 3541639). Invitae Evidence Modeling of protein sequence and biophysical properties (such as structural, functional, and spatial information, amino acid conservation, physicochemical variation, residue mobility, and thermodynamic stability) indicates that this missense variant is not expected to disrupt LZTR1 protein function with a negative predictive value of 80%. In summary, the available evidence is currently insufficient to determine the role of this variant in disease. Therefore, it has been classified as a Variant of Uncertain Significance.

Ambry Genetics
Classification: Uncertain significance for Cardiovascular phenotype; Hereditary cancer-predisposing syndrome. Last evaluated: 2024-10-08. Review status: criteria provided, single submitter. Criteria: Ambry Variant Classification Scheme 2023. Collection method: clinical testing. Allele origin: germline.
Comment: The p.V100G variant (also known as c.299T>G), located in coding exon 3 of the LZTR1 gene, results from a T to G substitution at nucleotide position 299. The valine at codon 100 is replaced by glycine, an amino acid with dissimilar properties. This amino acid position is conserved. In addition, this alteration is predicted to be deleterious by in silico analysis. Based on the available evidence, the clinical significance of this variant remains unclear.